The following is an entry in ClinVar:

NM_170784.3(MKKS):c.432_435del (p.Phe144fs)

Gene: MKKS (MKKS centrosomal shuttling protein; minus strand). Cytogenetic location: 20p12.2.
Variant type: Deletion.
Coding change: c.432_435del on transcript NM_170784.3 (MANE Select); coding-DNA positions 432 to 435, 4 bases deleted (TAGT; older notation c.432_435delTAGT).
Protein change: p.Phe144fs; shifts the reading frame from phenylalanine 144.
Molecular consequence: frameshift variant.
Genome position (GRCh38, 1-based): chr20:10,413,080-10,413,083, ACTA deleted on the plus strand (TAGT on the coding strand, the reverse complement: MKKS is on the minus strand); deleting any 4 consecutive bases within chr20:10,413,080-10,413,084 gives the same sequence; the c. name uses the placement nearest the transcript's 3' end. VCF-style (leftmost placement, unchanged base first): chr20-10413079-TACTA-T. GRCh37 (hg19) VCF-style: chr20-10393727-TACTA-T.
Other names: c.432_435del, p.Phe144fs (NM_018848.3); short protein forms F144fs.
Identifiers: ClinVar variation 960365 (VCV000960365.9), dbSNP rs1225932577, ClinGen allele CA741041335.

ClinVar aggregate classification (germline): Pathogenic. Review status: criteria provided, multiple submitters, no conflicts (2 of 4 stars). 2 submissions from 2 submitters: Pathogenic (2). Last evaluated 2025-01-28.

Conditions:
Bardet-Biedl syndrome 6 (BBS6). Identifiers: Orphanet 110, MedGen C1858054, MONDO:0011523, OMIM 605231.
Bardet-Biedl syndrome (BBS). Identifiers: Orphanet 110, MedGen C0752166, MONDO:0015229.
McKusick-Kaufman syndrome (MKKS). Also called: HYDROMETROCOLPOS SYNDROME; HYDROMETROCOLPOS, POSTAXIAL POLYDACTYLY, AND CONGENITAL HEART MALFORMATION. Identifiers: Orphanet 2473, MedGen C0948368, MONDO:0009367, OMIM 236700.

Submissions (2):

Labcorp Genetics (formerly Invitae), Labcorp
Classification: Pathogenic for McKusick-Kaufman syndrome; Bardet-Biedl syndrome. Last evaluated: 2025-01-28. Review status: criteria provided, single submitter. Criteria: Invitae Variant Classification Sherloc (09022015). Collection method: clinical testing. Allele origin: germline.
Comment: This sequence change creates a premature translational stop signal (p.Phe144Leufs*14) in the MKKS gene. It is expected to result in an absent or disrupted protein product. Loss-of-function variants in MKKS are known to be pathogenic (PMID: 11179009, 28761321, 30614526). This variant is not present in population databases (gnomAD no frequency). This premature translational stop signal has been observed in individual(s) with Bardet-Biedl syndrome (PMID: 10973251). In at least one individual the data is consistent with being in trans (on the opposite chromosome) from a pathogenic variant. It has also been observed to segregate with disease in related individuals. ClinVar contains an entry for this variant (Variation ID: 960365). For these reasons, this variant has been classified as Pathogenic.

Baylor Genetics
Classification: Pathogenic for Bardet-Biedl syndrome 6. Last evaluated: 2024-03-27. Review status: criteria provided, single submitter. Criteria: ACMG Guidelines, 2015. Collection method: clinical testing. Allele origin: unknown.

Literature cited by the submitters: PubMed 11179009 (cited by Labcorp Genetics (formerly Invitae), Labcorp); PubMed 28761321 (cited by Labcorp Genetics (formerly Invitae), Labcorp); PubMed 30614526 (cited by Labcorp Genetics (formerly Invitae), Labcorp); PubMed 10973251 (cited by Labcorp Genetics (formerly Invitae), Labcorp).